The following is an entry in ClinVar:

NM_004370.6(COL12A1):c.4901T>C (p.Val1634Ala)

Gene: COL12A1 (collagen type XII alpha 1 chain; minus strand). Cytogenetic location: 6q13.
Variant type: single nucleotide variant.
Coding change: c.4901T>C on transcript NM_004370.6 (MANE Select); coding-DNA position 4901, T replaced by C.
Protein change: p.Val1634Ala; replaces valine 1634 with alanine.
Molecular consequence: missense variant.
Genome position (GRCh38, 1-based): chr6:75,142,088, A>G on the plus strand (T>C on the coding strand, the complement: COL12A1 is on the minus strand). VCF-style: chr6-75142088-A-G. GRCh37 (hg19) VCF-style: chr6-75851804-A-G.
Other names: c.4901T>C, p.Val1634Ala (NM_001424113.1, NM_001424114.1); c.4628T>C, p.Val1543Ala (NM_001424115.1); c.1409T>C, p.Val470Ala (NM_001424116.1, NM_080645.3); short protein forms V1634A, V1543A, V470A.
Identifiers: ClinVar variation 4791133 (VCV004791133.1).
Genomic context (GRCh38, chr6:75,142,088, plus strand): 5'-TCACGGGTAGTTTCTTGAGCAGTCACTGGAGGAGACTCCCCCTCGTCATGTACTGCAGAA[A>G]CGCTGACTGTGTACAAGGTCTGTGAGAAGAGGTCTTTGAGGGAAGTGCTGGTCTCTGATC-3'
Protein context (NP_004361.3, residues 1624-1644): LFSQTLYTVS[Val1634Ala]SAVHDEGESP

ClinVar aggregate classification (germline): Uncertain significance (1 of 4 stars; one submission).

Conditions:
Bethlem myopathy 2 (BTHLM2). Identifiers: Orphanet 536516, Orphanet 610, MedGen C4225313, MONDO:0034022, OMIM 616471.
Ullrich congenital muscular dystrophy 2 (UCMD2). Identifiers: Orphanet 75840, MedGen C4225314, MONDO:0014654, OMIM 616470.

gnomAD v4.1: 2 of 1,614,122 alleles (0.00012%); highest among the groups gnomAD compares: Non-Finnish European, 0.00017%; no homozygotes.

Submission:

Labcorp Genetics (formerly Invitae), Labcorp
Classification: Uncertain significance for Bethlem myopathy 2; Ullrich congenital muscular dystrophy 2. Last evaluated: 2025-06-08. Review status: criteria provided, single submitter. Criteria: Invitae Variant Classification Sherloc (09022015). Collection method: clinical testing. Allele origin: germline.
Comment: This sequence change replaces valine, which is neutral and non-polar, with alanine, which is neutral and non-polar, at codon 1634 of the COL12A1 protein (p.Val1634Ala). This variant is present in population databases (no rsID available, gnomAD 0.0009%). This variant has not been reported in the literature in individuals affected with COL12A1-related conditions. Invitae Evidence Modeling of protein sequence and biophysical properties (such as structural, functional, and spatial information, amino acid conservation, physicochemical variation, residue mobility, and thermodynamic stability) indicates that this missense variant is not expected to disrupt COL12A1 protein function with a negative predictive value of 80%. In summary, the available evidence is currently insufficient to determine the role of this variant in disease. Therefore, it has been classified as a Variant of Uncertain Significance.